The following is an entry in ClinVar:

NM_017671.5(FERMT1):c.64A>G (p.Asn22Asp)

Gene: FERMT1 (FERM domain containing kindlin 1; minus strand). Cytogenetic location: 20p12.3.
Variant type: single nucleotide variant.
Coding change: c.64A>G on transcript NM_017671.5 (MANE Select); coding-DNA position 64, A replaced by G.
Protein change: p.Asn22Asp; replaces asparagine 22 with aspartic acid.
Molecular consequence: missense variant.
Genome position (GRCh38, 1-based): chr20:6,119,491, T>C on the plus strand (A>G on the coding strand, the complement: FERMT1 is on the minus strand). VCF-style: chr20-6119491-T-C. GRCh37 (hg19) VCF-style: chr20-6100138-T-C.
Other names: short protein forms N22D.
Identifiers: ClinVar variation 339235 (VCV000339235.8), dbSNP rs201029402, ClinGen allele CA9758557.

ClinVar aggregate classification (germline): Uncertain significance. Review status: criteria provided, multiple submitters, no conflicts (2 of 4 stars). 2 submissions from 2 submitters: Uncertain significance (2). Last evaluated 2025-01-23.

Conditions:
Kindler syndrome (KNDLRS). Also called: BULLOUS ACROKERATOTIC POIKILODERMA OF KINDLER AND WEARY; POIKILODERMA, CONGENITAL, WITH BULLAE, WEARY TYPE; POIKILODERMA, HEREDITARY ACROKERATOTIC; Hereditary acrokeratotic poikiloderma of Weary; Poikiloderma of Kindler; Congenital bullous poikiloderma. Identifiers: Orphanet 2908, Orphanet 306539, MedGen C0406557, MONDO:0008260, OMIM 173650.

Allele frequency attached by ClinVar (database versions not stated): gnomAD exomes 0.00006 and 0.00015; gnomAD 0.00010; ExAC 0.00014; ESP Exome Variant Server 0.00015; TOPMed 0.00015; 1000 Genomes Project 30x 0.00031; 1000 Genomes Project 0.00040.
gnomAD v4.1: 110 of 1,614,136 alleles (0.0068%); highest among the groups gnomAD compares: Admixed American, 0.03%; no homozygotes.

Submissions (2):

Labcorp Genetics (formerly Invitae), Labcorp
Classification: Uncertain significance. Last evaluated: 2025-01-23. Review status: criteria provided, single submitter. Criteria: Invitae Variant Classification Sherloc (09022015). Collection method: clinical testing. Allele origin: germline.
Comment: This sequence change replaces asparagine, which is neutral and polar, with aspartic acid, which is acidic and polar, at codon 22 of the FERMT1 protein (p.Asn22Asp). This variant is present in population databases (rs201029402, gnomAD 0.2%). This variant has not been reported in the literature in individuals affected with FERMT1-related conditions. ClinVar contains an entry for this variant (Variation ID: 339235). An algorithm developed to predict the effect of missense changes on protein structure and function outputs the following: PolyPhen-2: "Benign". The aspartic acid amino acid residue is found in multiple mammalian species, which suggests that this missense change does not adversely affect protein function. In summary, the available evidence is currently insufficient to determine the role of this variant in disease. Therefore, it has been classified as a Variant of Uncertain Significance.

Illumina Laboratory Services, Illumina
Classification: Uncertain significance for Kindler syndrome. Last evaluated: 2018-01-13. Review status: criteria provided, single submitter. Criteria: ICSL Variant Classification Criteria 13 December 2019. Collection method: clinical testing. Allele origin: germline.